The following is an entry in ClinVar:

ClinVar aggregate classification (germline): Likely benign. Review status: criteria provided, multiple submitters, no conflicts (2 of 4 stars). 4 submissions from 4 submitters: Likely benign (4). Last evaluated 2025-09-16.

Conditions:
Hereditary cancer-predisposing syndrome. Also called: Hereditary Cancer Syndrome; Neoplastic Syndromes, Hereditary; Tumor predisposition; Hereditary neoplastic syndrome. Identifiers: Orphanet 140162, MedGen C0027672, MeSH D009386, MONDO:0015356.
Neurofibromatosis, type 2 (SWNV). Also called: SCHWANNOMATOSIS, VESTIBULAR; BILATERAL ACOUSTIC NEUROFIBROMATOSIS; NF2-Related Schwannomatosis. Identifiers: Orphanet 637, MedGen C0027832, MONDO:0007039, OMIM 101000. Disease mechanism: loss of function.

Allele frequency attached by ClinVar (database versions not stated): TOPMed below 0.00001; ExAC 0.00001; gnomAD 0.00001; gnomAD exomes 0.00001 and 0.00002.
gnomAD v4.1: 10 of 1,614,094 alleles (0.00062%); highest among the groups gnomAD compares: Admixed American, 0.005%; no homozygotes.

Submissions (4):

Labcorp Genetics (formerly Invitae), Labcorp
Classification: Likely benign for Neurofibromatosis, type 2. Last evaluated: 2025-09-16. Review status: criteria provided, single submitter. Criteria: Invitae Variant Classification Sherloc (09022015). Collection method: clinical testing. Allele origin: germline.

All of Us Research Program, National Institutes of Health
Classification: Likely benign for Neurofibromatosis, type 2. Last evaluated: 2023-08-15. Review status: criteria provided, single submitter. Criteria: ACMG Guidelines, 2015. Collection method: clinical testing. Allele origin: germline. Inheritance: Autosomal dominant inheritance. Observed: 1 variant allele, 1 heterozygote.
Comment: This study involves interpretation of variants in research participants for the purpose of population health screening. Participant phenotype was not available at the time of variant classification. Additional details can be found in publication PMID: 35346344, PMCID: PMC8962531

Color Diagnostics, LLC DBA Color Health
Classification: Likely benign for Neurofibromatosis, type 2. Last evaluated: 2023-08-09. Review status: criteria provided, single submitter. Criteria: ACMG Guidelines, 2015. Collection method: clinical testing. Allele origin: germline.

Ambry Genetics
Classification: Likely benign for Hereditary cancer-predisposing syndrome. Last evaluated: 2021-05-25. Review status: criteria provided, single submitter. Criteria: Ambry Variant Classification Scheme 2023. Collection method: clinical testing. Allele origin: germline.

NM_000268.4(NF2):c.720G>T (p.Gly240=)

Gene: NF2 (NF2, moesin-ezrin-radixin like (MERLIN) tumor suppressor; plus strand). Cytogenetic location: 22q12.2.
Variant type: single nucleotide variant.
Coding change: c.720G>T on transcript NM_000268.4 (MANE Select); coding-DNA position 720, G replaced by T.
Protein change: p.Gly240=; no amino-acid change (glycine 240 retained).
Molecular consequence: synonymous variant. On other transcripts: non-coding transcript variant (1), intron variant (1).
Genome position (GRCh38, 1-based): chr22:29,661,249, G>T. VCF-style: chr22-29661249-G-T. GRCh37 (hg19) VCF-style: chr22-30057238-G-T.
Other names: c.720G>T, p.Gly240= (NM_016418.5, NM_181825.3, NM_181832.3); c.594G>T, p.Gly198= (NM_181828.3); c.597G>T, p.Gly199= (NM_181829.3); c.471G>T, p.Gly157= (NM_181830.3, NM_181831.3); c.447+18964G>T (NM_181833.3).
Identifiers: ClinVar variation 712241 (VCV000712241.15), dbSNP rs769348972, ClinGen allele CA034876.
Genomic context (GRCh38, chr22:29,661,249, plus strand): 5'-CTTATTGGATCCACAGAATAAAAAGGGCACAGAGCTGCTGCTTGGAGTGGATGCCCTGGG[G>T]CTTCACATTTATGACCCTGAGAACAGACTGACCCCCAAGATCTCCTTCCCGTGGAATGAA-3'
Protein context (NP_000259.1, residues 230-250): TELLLGVDAL[Gly240=]LHIYDPENRL